The following is an entry in ClinVar:

NC_000010.10:g.(?_95518569)_(95521794_?)del

Gene: LGI1 (leucine rich glioma inactivated 1; plus strand). Cytogenetic location: 10q23.33.
Variant type: Deletion.
Identifiers: ClinVar variation 3244841 (VCV003244841.1).

ClinVar aggregate classification (germline): Likely pathogenic (1 of 4 stars; one submission).

Conditions:
Autosomal dominant epilepsy with auditory features. Identifiers: Orphanet 101046, MedGen C1838062, MONDO:0010898.

Submission:

Labcorp Genetics (formerly Invitae), Labcorp
Classification: Likely pathogenic for Autosomal dominant epilepsy with auditory features. Last evaluated: 2022-12-12. Review status: criteria provided, single submitter. Criteria: Invitae Variant Classification Sherloc (09022015). Collection method: clinical testing. Allele origin: unknown.
Comment: In summary, the currently available evidence indicates that the variant is pathogenic, but additional data are needed to prove that conclusively. Therefore, this variant has been classified as Likely Pathogenic. This variant has not been reported in the literature in individuals affected with LGI1-related conditions. This variant results in the deletion of part of exon 2 (c.268_287+3206del) of the LGI1 gene. It is expected to disrupt RNA splicing. Variants that disrupt the donor or acceptor splice site typically lead to a loss of protein function (PMID: 16199547), and loss-of-function variants in LGI1 are known to be pathogenic (PMID: 24206907).

Literature cited by the submitters: PubMed 16199547; PubMed 24206907.